The following is an entry in ClinVar:

NM_032228.6(FAR1):c.557A>T (p.Asp186Val)

Gene: FAR1 (fatty acyl-CoA reductase 1; plus strand). Cytogenetic location: 11p15.3.
Variant type: single nucleotide variant.
Coding change: c.557A>T on transcript NM_032228.6 (MANE Select); coding-DNA position 557, A replaced by T.
Protein change: p.Asp186Val; replaces aspartic acid 186 with valine.
Molecular consequence: missense variant.
Genome position (GRCh38, 1-based): chr11:13,710,704, A>T. VCF-style: chr11-13710704-A-T. GRCh37 (hg19) VCF-style: chr11-13732251-A-T.
Other names: short protein forms D186V.
Identifiers: ClinVar variation 1514516 (VCV001514516.8), dbSNP rs2134191514, ClinGen allele CA379857175.
Genomic context (GRCh38, chr11:13,710,704, plus strand): 5'-TTTATAGTAAAATATCTGGAAATATATTTGTATGCAATTTCTTTACCAGGTGGATGGATG[A>T]TGGCCTAGTAAATGATATCACGCCAAAATTGATAGGAGACAGACCTAATACATACATATA-3'
Protein context (NP_115604.1, residues 176-196): KLIDSLEWMD[Asp186Val]GLVNDITPKL

ClinVar aggregate classification (germline): Uncertain significance (1 of 4 stars; one submission).

Submission:

Labcorp Genetics (formerly Invitae), Labcorp
Classification: Uncertain significance. Last evaluated: 2021-05-03. Review status: criteria provided, single submitter. Criteria: Invitae Variant Classification Sherloc (09022015). Collection method: clinical testing. Allele origin: germline.
Comment: In summary, the available evidence is currently insufficient to determine the role of this variant in disease. Therefore, it has been classified as a Variant of Uncertain Significance. Algorithms developed to predict the effect of missense changes on protein structure and function are either unavailable or do not agree on the potential impact of this missense change (SIFT: "Deleterious"; PolyPhen-2: "Possibly Damaging"; Align-GVGD: "Class C0"). This variant has not been reported in the literature in individuals with FAR1-related conditions. This variant is not present in population databases (ExAC no frequency). This sequence change replaces aspartic acid with valine at codon 186 of the FAR1 protein (p.Asp186Val). The aspartic acid residue is highly conserved and there is a large physicochemical difference between aspartic acid and valine.